The following is an entry in ClinVar:

NM_003640.5(ELP1):c.601C>T (p.Arg201Trp)

Gene: ELP1 (elongator acetyltransferase complex subunit 1; minus strand). Cytogenetic location: 9q31.3.
Variant type: single nucleotide variant.
Coding change: c.601C>T on transcript NM_003640.5 (MANE Select); coding-DNA position 601, C replaced by T.
Protein change: p.Arg201Trp; replaces arginine 201 with tryptophan.
Molecular consequence: missense variant. On other transcripts: intron variant (1).
Genome position (GRCh38, 1-based): chr9:108,919,301, G>A on the plus strand (C>T on the coding strand, the complement: ELP1 is on the minus strand). VCF-style: chr9-108919301-G-A. GRCh37 (hg19) VCF-style: chr9-111681581-G-A.
Other names: c.259C>T, p.Arg87Trp (NM_001318360.2); c.-307-1631C>T (NM_001330749.2); c.601C>T (NM_003640.4); short protein forms R87W, R201W.
Identifiers: ClinVar variation 847586 (VCV000847586.7), dbSNP rs773117166, ClinGen allele CA5175301.

ClinVar aggregate classification (germline): Uncertain significance. Review status: criteria provided, multiple submitters, no conflicts (2 of 4 stars). 5 submissions from 5 submitters: Uncertain significance (4). 1 of the submissions does not count toward it. Last evaluated 2025-12-30.

Conditions:
ELP1-related disorder. Also called: ELP1-related condition.
Familial dysautonomia. Also called: FD; HSAN III. Identifiers: Orphanet 1764, MedGen C0013364, MONDO:0009131, OMIM 223900. Disease mechanism: loss of function.
Medulloblastoma (MDB). Also called: Medulloblastoma, somatic; MEDULLOBLASTOMA PREDISPOSITION SYNDROME. Identifiers: Orphanet 616, MedGen C0025149, MeSH D008527, MONDO:0007959, OMIM 155255, HP:0002885.

Allele frequency attached by ClinVar (database versions not stated): gnomAD 0.00001; gnomAD exomes 0.00001; ExAC 0.00002; TOPMed 0.00002.
gnomAD v4.1: 9 of 1,613,338 alleles (0.00056%); highest among the groups gnomAD compares: African/African-American, 0.0013%; no homozygotes.

Submissions (5):

PreventionGenetics, part of Exact Sciences
Classification: Uncertain significance for ELP1-related condition. Last evaluated: 2025-12-30. Review status: criteria provided, single submitter. Criteria: ACMG Guidelines, 2015. Collection method: clinical testing. Allele origin: germline.
Comment: The ELP1 c.601C>T variant is predicted to result in the amino acid substitution p.Arg201Trp. To our knowledge, this variant has not been reported in the literature. This variant is reported in 0.0040% of alleles in individuals of African descent in gnomAD. At this time, the clinical significance of this variant is uncertain due to the absence of conclusive functional and genetic evidence.

Ambry Genetics
Classification: Uncertain significance. Last evaluated: 2025-10-02. Review status: criteria provided, single submitter. Criteria: Ambry Variant Classification Scheme 2023. Collection method: clinical testing. Allele origin: germline.
Comment: The c.601C>T (p.R201W) alteration is located in exon 7 (coding exon 6) of the IKBKAP gene. This alteration results from a C to T substitution at nucleotide position 601, causing the arginine (R) at amino acid position 201 to be replaced by a tryptophan (W). Based on data from gnomAD, the T allele has an overall frequency of 0.001% (3/282732) total alleles studied. The highest observed frequency was 0.004% (1/24948) of African alleles. Based on insufficient or conflicting evidence, the clinical significance of this alteration remains unclear.

Labcorp Genetics (formerly Invitae), Labcorp
Classification: Uncertain significance. Last evaluated: 2022-06-26. Review status: criteria provided, single submitter. Criteria: Invitae Variant Classification Sherloc (09022015). Collection method: clinical testing. Allele origin: germline.
Comment: This sequence change replaces arginine, which is basic and polar, with tryptophan, which is neutral and slightly polar, at codon 201 of the ELP1 protein (p.Arg201Trp). This variant is present in population databases (rs773117166, gnomAD 0.004%). This variant has not been reported in the literature in individuals affected with ELP1-related conditions. ClinVar contains an entry for this variant (Variation ID: 847586). Algorithms developed to predict the effect of missense changes on protein structure and function are either unavailable or do not agree on the potential impact of this missense change (SIFT: "Deleterious"; PolyPhen-2: "Probably Damaging"; Align-GVGD: "Class C0"). Algorithms developed to predict the effect of sequence changes on RNA splicing suggest that this variant may disrupt the consensus splice site. In summary, the available evidence is currently insufficient to determine the role of this variant in disease. Therefore, it has been classified as a Variant of Uncertain Significance.

Fulgent Genetics
Classification: Uncertain significance for Medulloblastoma; Familial dysautonomia. Last evaluated: 2021-12-23. Review status: criteria provided, single submitter. Criteria: ACMG Guidelines, 2015. Collection method: clinical testing. Allele origin: unknown.

Natera, Inc.
Classification: Uncertain significance for Familial dysautonomia. Last evaluated: 2021-05-31. Review status: no assertion criteria provided. Collection method: clinical testing. Allele origin: germline. Not counted in ClinVar's aggregate classification.